The following is an entry in ClinVar:

ClinVar aggregate classification (germline): Likely benign (0 of 4 stars; one submission).

Conditions:
GOT1-related disorder. Also called: GOT1-related condition.

Allele frequency attached by ClinVar (database versions not stated): ExAC 0.00001; TOPMed 0.00002; gnomAD 0.00003; gnomAD exomes 0.00003.
gnomAD v4.1: 42 of 1,609,472 alleles (0.0026%); highest among the groups gnomAD compares: Non-Finnish European, 0.0032%; no homozygotes.

Submission:

PreventionGenetics, part of Exact Sciences
Classification: Likely benign for GOT1-related condition. Last evaluated: 2019-09-09. Review status: no assertion criteria provided. Collection method: clinical testing. Allele origin: germline.
Comment: This variant is classified as likely benign based on ACMG/AMP sequence variant interpretation guidelines (Richards et al. 2015 PMID: 25741868, with internal and published modifications).

NM_002079.3(GOT1):c.570C>T (p.His190=)

Gene: GOT1 (glutamic-oxaloacetic transaminase 1; minus strand). Cytogenetic location: 10q24.2.
Variant type: single nucleotide variant.
Coding change: c.570C>T on transcript NM_002079.3 (MANE Select); coding-DNA position 570, C replaced by T.
Protein change: p.His190=; no amino-acid change (histidine 190 retained).
Molecular consequence: synonymous variant.
Genome position (GRCh38, 1-based): chr10:99,405,828, G>A on the plus strand (C>T on the coding strand, the complement: GOT1 is on the minus strand). VCF-style: chr10-99405828-G-A. GRCh37 (hg19) VCF-style: chr10-101165585-G-A.
Identifiers: ClinVar variation 3039802 (VCV003039802.2), dbSNP rs781754659, ClinGen allele CA5640900.
Genomic context (GRCh38, chr10:99,405,828, plus strand): 5'-AGCAATCTGCTTCCACTGCTCCGGAGTTGGGTCAATCCCAGTTGGGTTGTGTGCACAGGC[G>A]TGGAGGACAACAATGGAGAACTCAGGAGCATTCTGAGGAGAAGGAAGCTATGTCAGCTCT-3'
Protein context (NP_002070.1, residues 180-200): NAPEFSIVVL[His190=]ACAHNPTGID